The following is an entry in ClinVar:

ClinVar aggregate classification (germline): Uncertain significance (1 of 4 stars; one submission).

gnomAD v4.1: 1 of 1,613,842 alleles (0.000062%); highest among the groups gnomAD compares: Non-Finnish European, 0.000085%; no homozygotes.

Submission:

Labcorp Genetics (formerly Invitae), Labcorp
Classification: Uncertain significance. Last evaluated: 2019-11-27. Review status: criteria provided, single submitter. Criteria: Invitae Variant Classification Sherloc (09022015). Collection method: clinical testing. Allele origin: germline.
Comment: This sequence change replaces valine with leucine at codon 2204 of the POLE protein (p.Val2204Leu). The valine residue is moderately conserved and there is a small physicochemical difference between valine and leucine. This variant is not present in population databases (ExAC no frequency). This variant has not been reported in the literature in individuals with POLE-related conditions. Algorithms developed to predict the effect of missense changes on protein structure and function (SIFT, PolyPhen-2, Align-GVGD) all suggest that this variant is likely to be tolerated, but these predictions have not been confirmed by published functional studies and their clinical significance is uncertain. In summary, the available evidence is currently insufficient to determine the role of this variant in disease. Therefore, it has been classified as a Variant of Uncertain Significance.

NM_006231.4(POLE):c.6610G>C (p.Val2204Leu)

Gene: POLE (DNA polymerase epsilon, catalytic subunit; minus strand). Cytogenetic location: 12q24.33.
Variant type: single nucleotide variant.
Coding change: c.6610G>C on transcript NM_006231.4 (MANE Select); coding-DNA position 6610, G replaced by C.
Protein change: p.Val2204Leu; replaces valine 2204 with leucine.
Molecular consequence: missense variant.
Genome position (GRCh38, 1-based): chr12:132,625,692, C>G on the plus strand (G>C on the coding strand, the complement: POLE is on the minus strand). VCF-style: chr12-132625692-C-G. GRCh37 (hg19) VCF-style: chr12-133202278-C-G.
Other names: short protein forms V2204L.
Identifiers: ClinVar variation 838256 (VCV000838256.9), dbSNP rs1060500871, ClinGen allele CA387366588.
Genomic context (GRCh38, chr12:132,625,692, plus strand): 5'-ATGCACGACTCACCAGGTCCTGCAGGGTGAAGGCCATCAGCTTCTTCTGTAGAACTTCCA[C>G]CAGCGTCATCTCGATGGCAGAGGAGTCGTAGGGCGCCTGACAGTTGGAGCAGAGCCACTG-3'
Protein context (NP_006222.2, residues 2194-2214): YDSSAIEMTL[Val2204Leu]EVLQKKLMAF